The following is an entry in ClinVar:

NM_001367498.1(CNTNAP5):c.1806C>T (p.Ala602=)

Gene: CNTNAP5 (contactin associated protein family member 5; plus strand). Cytogenetic location: 2q14.3.
Variant type: single nucleotide variant.
Coding change: c.1806C>T on transcript NM_001367498.1 (MANE Select); coding-DNA position 1806, C replaced by T.
Protein change: p.Ala602=; no amino-acid change (alanine 602 retained).
Molecular consequence: synonymous variant.
Genome position (GRCh38, 1-based): chr2:124,609,850, C>T. VCF-style: chr2-124609850-C-T. GRCh37 (hg19) VCF-style: chr2-125367427-C-T.
Other names: c.1803C>T, p.Ala601= (NM_130773.4).
Identifiers: ClinVar variation 773125 (VCV000773125.30), dbSNP rs201240274, ClinGen allele CA1855990.

ClinVar aggregate classification (germline): Benign/Likely benign. Review status: criteria provided, multiple submitters, no conflicts (2 of 4 stars). 4 submissions from 4 submitters: Benign (2); Likely benign (1). 1 of the submissions does not count toward it. Last evaluated 2022-09-01.

Conditions:
CNTNAP5-related disorder. Also called: CNTNAP5-related condition.

Allele frequency attached by ClinVar (database versions not stated): 1000 Genomes Project 0.00040; 1000 Genomes Project 30x 0.00062; ExAC 0.00206; gnomAD 0.00220 and 0.00230; gnomAD exomes 0.00220 and 0.00338; TOPMed 0.00233; ESP Exome Variant Server 0.00326.
gnomAD v4.1: 5,250 of 1,613,976 alleles (0.33%); highest among the groups gnomAD compares: Non-Finnish European, 0.4%; 17 homozygotes.

Submissions (4):

CeGaT Center for Human Genetics Tuebingen
Classification: Likely benign. Last evaluated: 2022-09-01. Review status: criteria provided, single submitter. Criteria: CeGaT Center For Human Genetics Tuebingen Variant Classification Criteria Version 2. Collection method: clinical testing. Allele origin: germline. Affected: yes. Observed: 1 variant allele.
Comment: CNTNAP5: BP4, BP7

Labcorp Genetics (formerly Invitae), Labcorp
Classification: Benign. Last evaluated: 2019-12-31. Review status: criteria provided, single submitter. Criteria: Invitae Variant Classification Sherloc (09022015). Collection method: clinical testing. Allele origin: germline.

Breakthrough Genomics
Classification: Benign. Review status: criteria provided, single submitter. Criteria: ACMG Guidelines, 2015. Collection method: not provided. Allele origin: germline. Inheritance: Unknown mechanism. Affected: yes.

PreventionGenetics, part of Exact Sciences
Classification: Likely benign for CNTNAP5-related condition. Last evaluated: 2019-05-24. Review status: no assertion criteria provided. Collection method: clinical testing. Allele origin: germline. Not counted in ClinVar's aggregate classification.
Comment: This variant is classified as likely benign based on ACMG/AMP sequence variant interpretation guidelines (Richards et al. 2015 PMID: 25741868, with internal and published modifications).